The following is an entry in ClinVar:

ClinVar aggregate classification (germline): Uncertain significance. Review status: criteria provided, multiple submitters, no conflicts (2 of 4 stars). 2 submissions from 2 submitters: Uncertain significance (2). Last evaluated 2026-03-31.

Conditions:
Inborn genetic diseases. Identifiers: MedGen C0950123, MeSH D030342.
Acute myeloid leukemia (AML). Also called: Acute myeloid leukemia, adult; AML adult; Acute non-lymphocytic leukemia; Acute granulocytic leukemia; Leukemia, acute myelogenous, somatic; Leukemia, acute myeloid, somatic. Identifiers: Orphanet 519, MedGen C0023467, MeSH D015470, MONDO:0018874, OMIM 601626, HP:0004808. Disease mechanism: Constitutively activated FLT3.

Submissions (2):

Ambry Genetics
Classification: Uncertain significance for Inborn genetic diseases. Last evaluated: 2026-03-31. Review status: criteria provided, single submitter. Criteria: Ambry Variant Classification Scheme 2023. Collection method: clinical testing. Allele origin: germline.
Comment: The p.R325S variant (also known as c.973C>A), located in coding exon 1 of the CEBPA gene, results from a C to A substitution at nucleotide position 973. The arginine at codon 325 is replaced by serine, an amino acid with dissimilar properties. This amino acid position is highly conserved in available vertebrate species. In addition, the in silico prediction for this alteration is inconclusive. Based on the available evidence, the clinical significance of this variant remains unclear.

Labcorp Genetics (formerly Invitae), Labcorp
Classification: Uncertain significance for Acute myeloid leukemia. Last evaluated: 2020-08-09. Review status: criteria provided, single submitter. Criteria: Invitae Variant Classification Sherloc (09022015). Collection method: clinical testing. Allele origin: germline.
Comment: Algorithms developed to predict the effect of missense changes on protein structure and function are either unavailable or do not agree on the potential impact of this missense change (SIFT: "Tolerated"; PolyPhen-2: "Probably Damaging"; Align-GVGD: "Class C0"). In summary, the available evidence is currently insufficient to determine the role of this variant in disease. Therefore, it has been classified as a Variant of Uncertain Significance. This variant has not been reported in the literature in individuals with CEBPA-related conditions. This variant is not present in population databases (ExAC no frequency). This sequence change replaces arginine with serine at codon 325 of the CEBPA protein (p.Arg325Ser). The arginine residue is highly conserved and there is a moderate physicochemical difference between arginine and serine.

NM_004364.5(CEBPA):c.973C>A (p.Arg325Ser)

Gene: CEBPA (CCAAT enhancer binding protein alpha; minus strand). Cytogenetic location: 19q13.11.
Variant type: single nucleotide variant.
Coding change: c.973C>A on transcript NM_004364.5 (MANE Select); coding-DNA position 973, C replaced by A.
Protein change: p.Arg325Ser; replaces arginine 325 with serine.
Molecular consequence: missense variant.
Genome position (GRCh38, 1-based): chr19:33,301,442, G>T on the plus strand (C>A on the coding strand, the complement: CEBPA is on the minus strand). VCF-style: chr19-33301442-G-T. GRCh37 (hg19) VCF-style: chr19-33792348-G-T.
Other names: c.616C>A, p.Arg206Ser (NM_001285829.2); c.1078C>A, p.Arg360Ser (NM_001287424.2); c.931C>A, p.Arg311Ser (NM_001287435.2); c.973C>A (NM_004364.3); short protein forms R206S, R325S, R311S, R360S.
Identifiers: ClinVar variation 1035193 (VCV001035193.10), dbSNP rs781549846, ClinGen allele CA405273803.
Genomic context (GRCh38, chr19:33,301,442, plus strand): 5'-GCTGGCGGAAGATGCCCCGCAGCGTGTCCAGTTCGCGGCTCAGCTGTTCCACCCGCTTGC[G>T]CAGGCGGTCATTGTCACTGGTCAGCTCCAGCACCTTCTGCTGCGTCTCCACGTTGCGCTG-3'
Protein context (NP_004355.2, residues 315-335): LELTSDNDRL[Arg325Ser]KRVEQLSREL